The following is an entry in ClinVar:

NM_000742.4(CHRNA2):c.197T>C (p.Leu66Pro)

Gene: CHRNA2 (cholinergic receptor nicotinic alpha 2 subunit; minus strand). Cytogenetic location: 8p21.2.
Variant type: single nucleotide variant.
Coding change: c.197T>C on transcript NM_000742.4 (MANE Select); coding-DNA position 197, T replaced by C.
Protein change: p.Leu66Pro; replaces leucine 66 with proline.
Molecular consequence: missense variant. On other transcripts: 5 prime UTR variant (4).
Genome position (GRCh38, 1-based): chr8:27,469,858, A>G on the plus strand (T>C on the coding strand, the complement: CHRNA2 is on the minus strand). VCF-style: chr8-27469858-A-G. GRCh37 (hg19) VCF-style: chr8-27327375-A-G.
Other names: c.197T>C, p.Leu66Pro (NM_001282455.2); c.-231T>C (NM_001347705.2); c.-276T>C (NM_001347706.2); c.-217T>C (NM_001347707.2); c.-265T>C (NM_001347708.2); short protein forms L66P.
Identifiers: ClinVar variation 2698696 (VCV002698696.3), dbSNP rs747073463, ClinGen allele CA370813088.

ClinVar aggregate classification (germline): Uncertain significance (1 of 4 stars; one submission).

Conditions:
Familial sleep-related hypermotor epilepsy. Also called: Autosomal Dominant Sleep-Related Hypermotor (Hyperkinetic) Epilepsy. Identifiers: Orphanet 98784, MedGen C3696898, MONDO:0000030.

Submission:

Labcorp Genetics (formerly Invitae), Labcorp
Classification: Uncertain significance. Last evaluated: 2024-03-13. Review status: criteria provided, single submitter. Criteria: Invitae Variant Classification Sherloc (09022015). Collection method: clinical testing. Allele origin: germline.
Comment: This sequence change replaces leucine, which is neutral and non-polar, with proline, which is neutral and non-polar, at codon 66 of the CHRNA2 protein (p.Leu66Pro). This variant is not present in population databases (gnomAD no frequency). This variant has not been reported in the literature in individuals affected with CHRNA2-related conditions. This missense change has been observed in at least one individual who was not affected with CHRNA2-related conditions (Invitae). Advanced modeling of protein sequence and biophysical properties (such as structural, functional, and spatial information, amino acid conservation, physicochemical variation, residue mobility, and thermodynamic stability) performed at Invitae indicates that this missense variant is expected to disrupt CHRNA2 protein function with a positive predictive value of 80%. In summary, the available evidence is currently insufficient to determine the role of this variant in disease. Therefore, it has been classified as a Variant of Uncertain Significance.